The following is an entry in ClinVar:

NM_005633.3(SOS1):c.2511-9dup

Gene: SOS1 (SOS Ras/Rac guanine nucleotide exchange factor 1; minus strand). Cytogenetic location: 2p22.1.
Variant type: Duplication.
Coding change: c.2511-9dup on transcript NM_005633.3; 9 bases into the intron before coding-DNA position 2511, one base duplicated (T; older notation c.2511-9dupT).
Molecular consequence: intron variant (on NM_005633.4).
Genome position (GRCh38, 1-based): chr2:39,007,202, A duplicated on the plus strand (T on the coding strand, the reverse complement: SOS1 is on the minus strand); the first of 9 consecutive A bases (chr2:39,007,202-39,007,210); duplicating any one gives the same sequence. VCF-style (leftmost placement, unchanged base first): chr2-39007201-T-TA. GRCh37 (hg19) VCF-style: chr2-39234342-T-TA.
Other names: p.?; c.2490-17dup (NM_001382394.1); c.2511-17dup (NM_001382395.1, NM_005633.4); c.2511-9dupT (NM_005633.3).
Identifiers: ClinVar variation 165280 (VCV000165280.26), dbSNP rs727503436, ClinGen allele CA178020.

ClinVar aggregate classification (germline): Conflicting classifications of pathogenicity. Review status: criteria provided, conflicting classifications (1 of 4 stars). 8 submissions from 8 submitters: Uncertain significance (1); Benign (1); Likely benign (5). 1 of the submissions does not count toward it. Last evaluated 2025-10-10.

Conditions:
RASopathy. Also called: Noonan spectrum disorder; rasopathies. Identifiers: Orphanet 536391, MedGen C5555857, MONDO:0021060.
SOS1-related disorder. Also called: SOS1-related condition.

Submissions (8):

Mayo Clinic Laboratories, Mayo Clinic
Classification: Likely benign. Last evaluated: 2025-10-10. Review status: criteria provided, single submitter. Criteria: ACMG Guidelines, 2015. Collection method: clinical testing. Allele origin: germline. Observed: 2 variant alleles.
Comment: BS1, BP4, BP7

Labcorp Genetics (formerly Invitae), Labcorp
Classification: Likely benign for RASopathy. Last evaluated: 2025-09-29. Review status: criteria provided, single submitter. Criteria: Invitae Variant Classification Sherloc (09022015). Collection method: clinical testing. Allele origin: germline.

Blueprint Genetics
Classification: Likely benign. Last evaluated: 2024-11-20. Review status: criteria provided, single submitter. Criteria: ACMG Guidelines, 2015. Collection method: clinical testing. Allele origin: germline.

Women's Health and Genetics/Laboratory Corporation of America, LabCorp
Classification: Benign. Last evaluated: 2020-11-16. Review status: criteria provided, single submitter. Criteria: LabCorp Variant Classification Summary - May 2015. Collection method: clinical testing. Allele origin: germline.
Comment: Variant summary: SOS1 c.2511-9dupT alters a conserved nucleotide located close to a canonical splice site and therefore could affect mRNA splicing, leading to a significantly altered protein sequence. 4/4 computational tools predict no significant impact on normal splicing. However, these predictions have yet to be confirmed by functional studies. The variant allele was found at a frequency of 0.0001 in 238074 control chromosomes. The observed variant frequency is approximately 3 fold of the estimated maximal expected allele frequency for a pathogenic variant in SOS1 causing Noonan Syndrome phenotype (3e-05), strongly suggesting that the variant is benign. To our knowledge, no occurrence of c.2511-9dupT in individuals affected with Noonan Syndrome and no experimental evidence demonstrating its impact on protein function have been reported. Three clinical diagnostic laboratories have submitted clinical-significance assessments for this variant to ClinVar after 2014 without evidence for independent evaluation (likely benign n=2, VUS n=1). Based on the evidence outlined above, the variant was classified as benign.

GeneDx
Classification: Likely benign. Last evaluated: 2020-10-02. Review status: criteria provided, single submitter. Criteria: GeneDx Variant Classification Process June 2021. Collection method: clinical testing. Allele origin: germline. Affected: yes.

Eurofins Ntd Llc (ga)
Classification: Uncertain significance. Last evaluated: 2015-11-19. Review status: criteria provided, single submitter. Criteria: EGL Classification Definitions. Collection method: clinical testing. Allele origin: germline. Observed: 1 variant allele, 1 heterozygote.

Laboratory for Molecular Medicine, Mass General Brigham Personalized Medicine
Classification: Likely benign. Last evaluated: 2013-09-11. Review status: criteria provided, single submitter. Criteria: LMM Criteria. Collection method: clinical testing. Allele origin: germline. Observed: 1 variant allele.
Comment: 2511-9_2511-8insT in intron 15 of SOS1: This variant is not expected to have cli nical significance because it is not located in the conserved region of the spli cing consensus sequence. In addition, it has been identified in 0.097% (8/8246) of European American chromosomes and 0.21% (9/4256) of African American chromoso mes by the NHLBI Exome Sequencing Project.

PreventionGenetics, part of Exact Sciences
Classification: Likely benign for SOS1-related condition. Last evaluated: 2022-04-28. Review status: no assertion criteria provided. Collection method: clinical testing. Allele origin: germline. Not counted in ClinVar's aggregate classification.
Comment: This variant is classified as likely benign based on ACMG/AMP sequence variant interpretation guidelines (Richards et al. 2015 PMID: 25741868, with internal and published modifications).